The following is an entry in ClinVar:

NM_001145809.2(MYH14):c.4685G>A (p.Arg1562Gln)

Gene: MYH14 (myosin heavy chain 14; plus strand). Cytogenetic location: 19q13.33.
Variant type: single nucleotide variant.
Coding change: c.4685G>A on transcript NM_001145809.2 (MANE Select); coding-DNA position 4685, G replaced by A.
Protein change: p.Arg1562Gln; replaces arginine 1562 with glutamine.
Molecular consequence: missense variant.
Genome position (GRCh38, 1-based): chr19:50,286,627, G>A. VCF-style: chr19-50286627-G-A. GRCh37 (hg19) VCF-style: chr19-50789884-G-A.
Other names: c.4586G>A, p.Arg1529Gln (NM_001077186.2); c.4562G>A, p.Arg1521Gln (NM_024729.4); short protein forms R1562Q, R1521Q, R1529Q.
Identifiers: ClinVar variation 178421 (VCV000178421.44), dbSNP rs140118363, ClinGen allele CA182293.

ClinVar aggregate classification (germline): Benign/Likely benign. Review status: criteria provided, multiple submitters, no conflicts (2 of 4 stars). 10 submissions from 10 submitters: Benign (6); Likely benign (3). 1 of the submissions does not count toward it. Last evaluated 2025-07-19.

Conditions:
MYH14-related disorder. Also called: MYH14-related condition.
Autosomal dominant nonsyndromic hearing loss 4A. Also called: Deafness, autosomal dominant 4A. Identifiers: Orphanet 90635, MedGen C1833503, MONDO:0010915, OMIM 600652.

Allele frequency attached by ClinVar (database versions not stated): gnomAD exomes 0.00013 and 0.00037; ExAC 0.00072; gnomAD 0.00150 and 0.00158; ESP Exome Variant Server 0.00158; TOPMed 0.00162; 1000 Genomes Project 0.00220; 1000 Genomes Project 30x 0.00250.
gnomAD v4.1: 420 of 1,596,622 alleles (0.026%); highest among the groups gnomAD compares: African/African-American, 0.48%; 1 homozygote.

Submissions (10):

Labcorp Genetics (formerly Invitae), Labcorp
Classification: Benign. Last evaluated: 2025-07-19. Review status: criteria provided, single submitter. Criteria: Invitae Variant Classification Sherloc (09022015). Collection method: clinical testing. Allele origin: germline.

CeGaT Center for Human Genetics Tuebingen
Classification: Benign. Last evaluated: 2025-01-01. Review status: criteria provided, single submitter. Criteria: CeGaT Center For Human Genetics Tuebingen Variant Classification Criteria Version 2. Collection method: clinical testing. Allele origin: germline. Affected: yes. Observed: 1 variant allele.
Comment: MYH14: BS1, BS2

Blueprint Genetics
Classification: Likely benign. Last evaluated: 2024-09-18. Review status: criteria provided, single submitter. Criteria: ACMG Guidelines, 2015. Collection method: clinical testing. Allele origin: germline.

ARUP Laboratories, Molecular Genetics and Genomics, ARUP Laboratories
Classification: Benign. Last evaluated: 2019-09-12. Review status: criteria provided, single submitter. Criteria: ARUP Molecular Germline Variant Investigation Process. Collection method: clinical testing. Allele origin: germline.

GeneDx
Classification: Benign. Last evaluated: 2019-07-12. Review status: criteria provided, single submitter. Criteria: GeneDx Variant Classification Process June 2021. Collection method: clinical testing. Allele origin: germline. Affected: yes.

Illumina Laboratory Services, Illumina
Classification: Benign for Autosomal dominant nonsyndromic hearing loss 4A. Last evaluated: 2018-01-12. Review status: criteria provided, single submitter. Criteria: ICSL Variant Classification Criteria 13 December 2019. Collection method: clinical testing. Allele origin: germline.
Comment: This variant was observed in the ICSL laboratory as part of a predisposition screen in an ostensibly healthy population. It had not been previously curated by ICSL or reported in the Human Gene Mutation Database (HGMD: prior to June 1st, 2018), and was therefore a candidate for classification through an automated scoring system. Utilizing variant allele frequency, disease prevalence and penetrance estimates, and inheritance mode, an automated score was calculated to assess if this variant is too frequent to cause the disease. Based on the score and internal cut-off values, a variant classified as benign is not then subjected to further curation. The score for this variant resulted in a classification of benign for this disease.

Laboratory for Molecular Medicine, Mass General Brigham Personalized Medicine
Classification: Benign. Last evaluated: 2017-10-05. Review status: criteria provided, single submitter. Criteria: LMM Criteria. Collection method: clinical testing. Allele origin: germline. Observed: 2 variant alleles.
Comment: p.Arg1562Gln in Exon 34 of MYH14: This variant is not expected to have clinical significance because it has been identified in 0.6% (116/20972) of African chrom osomes by the Genome Aggregation Database (gnomAD. org; dbSNP rs140118363).

Eurofins Ntd Llc (ga)
Classification: Likely benign. Last evaluated: 2016-08-17. Review status: criteria provided, single submitter. Criteria: EGL Classification Definitions 2015. Collection method: clinical testing. Allele origin: germline. Observed: 1 variant allele, 1 heterozygote.

Breakthrough Genomics
Classification: Likely benign. Review status: criteria provided, single submitter. Criteria: ACMG Guidelines, 2015. Collection method: not provided. Allele origin: germline. Inheritance: Autosomal dominant inheritance. Affected: yes.

PreventionGenetics, part of Exact Sciences
Classification: Benign for MYH14-related condition. Last evaluated: 2019-08-12. Review status: no assertion criteria provided. Collection method: clinical testing. Allele origin: germline. Not counted in ClinVar's aggregate classification.
Comment: This variant is classified as benign based on ACMG/AMP sequence variant interpretation guidelines (Richards et al. 2015 PMID: 25741868, with internal and published modifications).